The following is an entry in ClinVar:

ClinVar aggregate classification (germline): Pathogenic/Likely pathogenic. Review status: criteria provided, multiple submitters, no conflicts (2 of 4 stars). 9 submissions from 9 submitters: Pathogenic (4); Likely pathogenic (1). 4 of the submissions do not count toward it. Last evaluated 2025-12-09.

Conditions:
Classic homocystinuria. Also called: Homocystinuria due to Cystathionine Beta-Synthase Deficiency; Homocystinuria due to CBS deficiency; Cystathionine beta-synthase deficiency; CBS deficiency; HOMOCYSTINURIA WITH OR WITHOUT RESPONSE TO PYRIDOXINE. Identifiers: Orphanet 394, MedGen C0751202, MONDO:0009352, OMIM 236200.
HYPERHOMOCYSTEINEMIA, THROMBOTIC, CBS-RELATED. Identifiers: MedGen C3150344, OMIM 236200.

Allele frequency attached by ClinVar (database versions not stated): gnomAD exomes below 0.00001.

Submissions (9):

GeneDx
Classification: Pathogenic. Last evaluated: 2025-12-09. Review status: criteria provided, single submitter. Criteria: GeneDx Variant Classification Process June 2021. Collection method: clinical testing. Allele origin: germline. Affected: yes.
Comment: Nonsense variant predicted to result in protein truncation or nonsense mediated decay in a gene for which loss of function is a known mechanism of disease; Not observed at significant frequency in large population cohorts (gnomAD); This variant is associated with the following publications: (PMID: 22903695, 39411402, 39723124, 29352562, 21517828)

Baylor Genetics
Classification: Pathogenic for Classic homocystinuria. Last evaluated: 2024-03-19. Review status: criteria provided, single submitter. Criteria: ACMG Guidelines, 2015. Collection method: clinical testing. Allele origin: unknown.

Genomic Medicine Center of Excellence, King Faisal Specialist Hospital and Research Centre
Classification: Likely pathogenic for Classic homocystinuria. Last evaluated: 2024-03-17. Review status: criteria provided, single submitter. Criteria: ACMG Guidelines, 2015. Collection method: research. Allele origin: germline.

Labcorp Genetics (formerly Invitae), Labcorp
Classification: Pathogenic for HYPERHOMOCYSTEINEMIA, THROMBOTIC, CBS-RELATED. Last evaluated: 2024-02-01. Review status: criteria provided, single submitter. Criteria: Invitae Variant Classification Sherloc (09022015). Collection method: clinical testing. Allele origin: germline.
Comment: This sequence change creates a premature translational stop signal (p.Trp323*) in the CBS gene. It is expected to result in an absent or disrupted protein product. Loss-of-function variants in CBS are known to be pathogenic (PMID: 10338090, 12124992). This variant is present in population databases (no rsID available, gnomAD 0.003%). This premature translational stop signal has been observed in individual(s) with homocystinuria (PMID: 21517828, 29352562). ClinVar contains an entry for this variant (Variation ID: 212856). For these reasons, this variant has been classified as Pathogenic.

Eurofins Ntd Llc (ga)
Classification: Pathogenic. Last evaluated: 2015-11-20. Review status: criteria provided, single submitter. Criteria: EGL Classification Definitions 2015. Collection method: clinical testing. Allele origin: germline. Observed: 4 variant alleles, 4 homozygotes.

Clinical Laboratory Sciences Program (CLSP), King Saud bin Abdulaziz University for Health Sciences (KSAU-HS)
Classification: Pathogenic for Classic homocystinuria. Last evaluated: 2023-04-01. Review status: no assertion criteria provided. Collection method: clinical testing. Allele origin: germline. Affected: yes. Not counted in ClinVar's aggregate classification.

Biochemical Molecular Genetic Laboratory, King Abdulaziz Medical City
Classification: Pathogenic for Classic homocystinuria. Last evaluated: 2020-10-11. Review status: no assertion criteria provided. Collection method: clinical testing. Allele origin: germline. Affected: yes. Not counted in ClinVar's aggregate classification.

Department of Genetics, Sultan Qaboos University Hospital
Classification: Pathogenic for Classic homocystinuria. Last evaluated: 2017-12-30. Review status: no assertion criteria provided. Collection method: curation. Allele origin: unknown. Affected: yes. Not counted in ClinVar's aggregate classification.

Counsyl
Classification: Pathogenic for Classic homocystinuria. Last evaluated: 2017-02-07. Review status: no assertion criteria provided. Collection method: clinical testing. Allele origin: unknown. Not counted in ClinVar's aggregate classification.

Literature cited by the submitters: PubMed 10338090 (cited by Labcorp Genetics (formerly Invitae), Labcorp); PubMed 12124992 (cited by Labcorp Genetics (formerly Invitae), Labcorp); PubMed 21517828 (cited by 3 submitters); PubMed 29352562 (cited by Labcorp Genetics (formerly Invitae), Labcorp).

NM_000071.3(CBS):c.969G>A (p.Trp323Ter)

Gene: CBS (cystathionine beta-synthase; minus strand). Cytogenetic location: 21q22.3.
Variant type: single nucleotide variant.
Coding change: c.969G>A on transcript NM_000071.3 (MANE Select); coding-DNA position 969, G replaced by A.
Protein change: p.Trp323Ter; replaces tryptophan 323 with a stop codon.
Molecular consequence: nonsense.
Genome position (GRCh38, 1-based): chr21:43,062,381, C>T on the plus strand (G>A on the coding strand, the complement: CBS is on the minus strand). VCF-style: chr21-43062381-C-T. GRCh37 (hg19) VCF-style: chr21-44482491-C-T.
Other names: p.W323*:TGG>TGA; c.969G>A (NM_001178008.2); c.969G>A, p.Trp323Ter (NM_001178008.3, NM_001178009.3, NM_001320298.2); c.654G>A, p.Trp218Ter (NM_001321072.1); short protein forms W323*, W218*.
Identifiers: ClinVar variation 212856 (VCV000212856.32), dbSNP rs863223432, ClinGen allele CA321445.